The following is an entry in ClinVar:

ClinVar aggregate classification (germline): Likely benign (1 of 4 stars; one submission).

Conditions:
ACTN1-related disorder. Also called: ACTN1-related condition.

Submission:

PreventionGenetics, part of Exact Sciences
Classification: Likely benign for ACTN1-related condition. Last evaluated: 2025-12-22. Review status: criteria provided, single submitter. Criteria: ACMG Guidelines, 2015. Collection method: clinical testing. Allele origin: germline.
Comment: This variant is classified as likely benign based on ACMG/AMP sequence variant interpretation guidelines (Richards et al. 2015 PMID: 25741868, with internal and published modifications).

NM_001130004.2(ACTN1):c.105+9C>T

Gene: ACTN1 (actinin alpha 1; minus strand). Cytogenetic location: 14q24.1.
Variant type: single nucleotide variant.
Coding change: c.105+9C>T on transcript NM_001130004.2 (MANE Select); 9 bases into the intron after coding-DNA position 105, C replaced by T.
Molecular consequence: intron variant.
Genome position (GRCh38, 1-based): chr14:68,978,943, G>A on the plus strand (C>T on the coding strand, the complement: ACTN1 is on the minus strand). VCF-style: chr14-68978943-G-A. GRCh37 (hg19) VCF-style: chr14-69445660-G-A.
Other names: c.105+9C>T (NM_001424029.1, NM_001424027.1, NM_001424025.1 and 10 more transcripts); c.-806+9C>T (NM_001424030.1).
Identifiers: ClinVar variation 4981081 (VCV004981081.1).
Genomic context (GRCh38, chr14:68,978,943, plus strand): 5'-GGCAGGCAGAGCGGGTCGGGGCTGGGGGCTGGGGGCTGGGGGCTGCAGCGGGCGGGGGCG[G>A]CTGCTAACCTTTCTCTGCTGCTTCTCCCAGGCCGGGTCCAGGAGCAGGTCCCGGTCCCAG-3'